The following is an entry in ClinVar:

NM_022168.4(IFIH1):c.2793G>A (p.Met931Ile)

Gene: IFIH1 (interferon induced with helicase C domain 1; minus strand). Cytogenetic location: 2q24.2.
Variant type: single nucleotide variant.
Coding change: c.2793G>A on transcript NM_022168.4 (MANE Select); coding-DNA position 2793, G replaced by A.
Protein change: p.Met931Ile; replaces methionine 931 with isoleucine.
Molecular consequence: missense variant.
Genome position (GRCh38, 1-based): chr2:162,268,101, C>T on the plus strand (G>A on the coding strand, the complement: IFIH1 is on the minus strand). VCF-style: chr2-162268101-C-T. GRCh37 (hg19) VCF-style: chr2-163124611-C-T.
Other names: c.2793G>A, p.Met931Ile (LRG_1235t1); short protein forms M931I.
Identifiers: ClinVar variation 665183 (VCV000665183.9), dbSNP rs1576220013, ClinGen allele CA348990506.
Genomic context (GRCh38, chr2:162,268,101, plus strand): 5'-TTCACCCCTTGTGGAAAAATGTAAAAATGGGTCTTTCTGGACTCACTTGAATTCTGGGGT[C>T]ATATTGACGTGATGCATTTTCTCAATTACATGGATATCTTCCCCAGAACAGGCTAGCACA-3'
Protein context (NP_071451.2, residues 921-941): HVIEKMHHVN[Met931Ile]TPEFKELYIV

ClinVar aggregate classification (germline): Uncertain significance. Review status: criteria provided, multiple submitters, no conflicts (2 of 4 stars). 2 submissions from 2 submitters: Uncertain significance (2). Last evaluated 2020-11-03.

Conditions:
Singleton-Merten syndrome 1 (SGMRT1). Also called: Widened medullary cavities of bone, aortic calcification, abnormal dentition, and muscular weakness; Syndrome of widened medullary cavities of the metacarpals and phalanges, aortic calcification and abnormal dentition. Identifiers: Orphanet 85191, MedGen C4225427, MONDO:0024535, OMIM 182250.
Aicardi-Goutieres syndrome 7 (AGS7). Identifiers: Orphanet 51, MedGen C3888244, MONDO:0014367, OMIM 615846.

Allele frequency attached by ClinVar (database versions not stated): gnomAD exomes below 0.00001; TOPMed 0.00001.
gnomAD v4.1: 1 of 1,599,152 alleles (0.000063%); highest among the groups gnomAD compares: Non-Finnish European, 0.000085%; no homozygotes.

Submissions (2):

Blueprint Genetics
Classification: Uncertain significance. Last evaluated: 2020-11-03. Review status: criteria provided, single submitter. Criteria: ACMG Guidelines, 2015. Collection method: clinical testing. Allele origin: germline.

Labcorp Genetics (formerly Invitae), Labcorp
Classification: Uncertain significance for Aicardi-Goutieres syndrome 7; Singleton-Merten syndrome 1. Last evaluated: 2018-11-01. Review status: criteria provided, single submitter. Criteria: Invitae Variant Classification Sherloc (09022015). Collection method: clinical testing. Allele origin: germline.
Comment: In summary, the available evidence is currently insufficient to determine the role of this variant in disease. Therefore, it has been classified as a Variant of Uncertain Significance. Algorithms developed to predict the effect of missense changes on protein structure and function (SIFT, PolyPhen-2, Align-GVGD) all suggest that this variant is likely to be tolerated, but these predictions have not been confirmed by published functional studies and their clinical significance is uncertain. This variant has not been reported in the literature in individuals with IFIH1-related disease. This variant is not present in population databases (ExAC no frequency). This sequence change replaces methionine with isoleucine at codon 931 of the IFIH1 protein (p.Met931Ile). The methionine residue is moderately conserved and there is a small physicochemical difference between methionine and isoleucine.